The following is an entry in ClinVar:

ClinVar aggregate classification (germline): Likely pathogenic (0 of 4 stars; one submission).

Conditions:
Congenital secretory diarrhea, chloride type (DIAR1). Also called: DIARRHEA 1, SECRETORY CHLORIDE, CONGENITAL; CHLORIDORRHEA, CONGENITAL; CHLORIDE DIARRHEA, CONGENITAL, FINNISH TYPE. Identifiers: Orphanet 53689, MedGen C0267662, MONDO:0008964, OMIM 214700.

Submission:

Juha Muilu Group; Institute for Molecular Medicine Finland (FIMM)
Classification: Likely pathogenic for Congenital secretory diarrhea, chloride type. Review status: no assertion criteria provided. Collection method: not provided. Allele origin: unknown.
Comment: FinDis database variant: This variant was not found or characterized by our laboratory, data were collected from public sources: see reference
ClinVar note: Converted during submission from probable-pathogenic to Likely pathogenic.

NM_000111.3(SLC26A3):c.1342_1343del (p.Leu448fs)

Gene: SLC26A3 (solute carrier family 26 member 3; minus strand). Cytogenetic location: 7q22.3.
Variant type: Deletion.
Coding change: c.1342_1343del on transcript NM_000111.3 (MANE Select); coding-DNA positions 1342 to 1343, 2 bases deleted (TT; older notation c.1342_1343delTT).
Protein change: p.Leu448fs; shifts the reading frame from leucine 448.
Molecular consequence: frameshift variant.
Genome position (GRCh38, 1-based): chr7:107,779,732-107,779,733, AA deleted on the plus strand (TT on the coding strand, the reverse complement: SLC26A3 is on the minus strand). VCF-style (leftmost placement, unchanged base first): chr7-107779731-TAA-T. GRCh37 (hg19) VCF-style: chr7-107420176-TAA-T.
Other names: c.1342_1343delTT (NM_000111.2); short protein forms L448fs.
Identifiers: ClinVar variation 55968 (VCV000055968.2), dbSNP rs386833450, ClinGen allele CA144047.